The following is an entry in ClinVar:

NM_003105.6(SORL1):c.6322T>C (p.Cys2108Arg)

Gene: SORL1 (sortilin related receptor 1; plus strand). Cytogenetic location: 11q24.1.
Variant type: single nucleotide variant.
Coding change: c.6322T>C on transcript NM_003105.6 (MANE Select); coding-DNA position 6322, T replaced by C.
Protein change: p.Cys2108Arg; replaces cysteine 2108 with arginine.
Molecular consequence: missense variant.
Genome position (GRCh38, 1-based): chr11:121,625,235, T>C. VCF-style: chr11-121625235-T-C. GRCh37 (hg19) VCF-style: chr11-121495944-T-C.
Other names: short protein forms C2108R.
Identifiers: ClinVar variation 2703152 (VCV002703152.3), dbSNP rs2497018507, ClinGen allele CA383045945.

ClinVar aggregate classification (germline): Uncertain significance (1 of 4 stars; one submission).

Submission:

Labcorp Genetics (formerly Invitae), Labcorp
Classification: Uncertain significance. Last evaluated: 2023-12-14. Review status: criteria provided, single submitter. Criteria: Invitae Variant Classification Sherloc (09022015). Collection method: clinical testing. Allele origin: germline.
Comment: This sequence change replaces cysteine, which is neutral and slightly polar, with arginine, which is basic and polar, at codon 2108 of the SORL1 protein (p.Cys2108Arg). This variant is not present in population databases (gnomAD no frequency). This variant has not been reported in the literature in individuals affected with SORL1-related conditions. An algorithm developed to predict the effect of missense changes on protein structure and function (PolyPhen-2) suggests that this variant is likely to be disruptive. In summary, the available evidence is currently insufficient to determine the role of this variant in disease. Therefore, it has been classified as a Variant of Uncertain Significance.